The following is an entry in ClinVar:

NM_170606.3(KMT2C):c.6145C>T (p.Pro2049Ser)

Gene: KMT2C (lysine methyltransferase 2C; minus strand). Cytogenetic location: 7q36.1.
Variant type: single nucleotide variant.
Coding change: c.6145C>T on transcript NM_170606.3 (MANE Select); coding-DNA position 6145, C replaced by T.
Protein change: p.Pro2049Ser; replaces proline 2049 with serine.
Molecular consequence: missense variant.
Genome position (GRCh38, 1-based): chr7:152,181,715, G>A on the plus strand (C>T on the coding strand, the complement: KMT2C is on the minus strand). VCF-style: chr7-152181715-G-A. GRCh37 (hg19) VCF-style: chr7-151878800-G-A.
Other names: short protein forms P2049S.
Identifiers: ClinVar variation 1497377 (VCV001497377.6), dbSNP rs2093440457, ClinGen allele CA370096425.

ClinVar aggregate classification (germline): Uncertain significance (1 of 4 stars; one submission).

Allele frequency attached by ClinVar (database versions not stated): gnomAD exomes below 0.00001.
gnomAD v4.1: 2 of 1,614,148 alleles (0.00012%); highest among the groups gnomAD compares: Non-Finnish European, 0.00017%; no homozygotes.

Submission:

Labcorp Genetics (formerly Invitae), Labcorp
Classification: Uncertain significance. Last evaluated: 2021-12-02. Review status: criteria provided, single submitter. Criteria: Invitae Variant Classification Sherloc (09022015). Collection method: clinical testing. Allele origin: germline.
Comment: In summary, the available evidence is currently insufficient to determine the role of this variant in disease. Therefore, it has been classified as a Variant of Uncertain Significance. Algorithms developed to predict the effect of missense changes on protein structure and function are either unavailable or do not agree on the potential impact of this missense change (SIFT: "Deleterious"; PolyPhen-2: "Possibly Damaging"; Align-GVGD: "Class C0"). This variant has not been reported in the literature in individuals affected with KMT2C-related conditions. This variant is not present in population databases (gnomAD no frequency). This sequence change replaces proline, which is neutral and non-polar, with serine, which is neutral and polar, at codon 2049 of the KMT2C protein (p.Pro2049Ser).